The following is an entry in ClinVar:

NM_030962.4(SBF2):c.4687T>C (p.Leu1563=)

Genes: SBF2-AS1 (SBF2 antisense RNA 1; plus strand), SBF2 (SET binding factor 2; minus strand), LOC105369149 (uncharacterized LOC105369149; plus strand). Cytogenetic location: 11p15.4.
Variant type: single nucleotide variant.
Coding change: c.4687T>C on transcript NM_030962.4 (MANE Select); coding-DNA position 4687, T replaced by C.
Protein change: p.Leu1563=; no amino-acid change (leucine 1563 retained).
Molecular consequence: synonymous variant.
Genome position (GRCh38, 1-based): chr11:9,790,567, A>G on the plus strand (T>C on the coding strand, the complement: SBF2 is on the minus strand). VCF-style: chr11-9790567-A-G. GRCh37 (hg19) VCF-style: chr11-9812114-A-G.
Other names: p.Leu1563=; c.4783T>C, p.Leu1595= (NM_001386339.1); c.4558T>C, p.Leu1520= (NM_001386342.1).
Identifiers: ClinVar variation 476932 (VCV000476932.14), dbSNP rs563878786, ClinGen allele CA5880923.
Genomic context (GRCh38, chr11:9,790,567, plus strand): 5'-CTTAACACAAAATTTCAGAAAGTGAAACATAAATGATTTCTTACTCTACCTCTATTTCCA[A>G]TGGTGAATATAAATAATTAAAGAAAATGGGACTCCTCTTGTGCATTCTGTCAATACATTC-3'
Protein context (NP_112224.1, residues 1553-1573): PIFFNYLYSP[Leu1563=]EIEALKPNVN

ClinVar aggregate classification (germline): Likely benign. Review status: criteria provided, multiple submitters, no conflicts (2 of 4 stars). 4 submissions from 4 submitters: Likely benign (4). Last evaluated 2025-08-11.

Conditions:
Charcot-Marie-Tooth disease. Also called: Charcot-Marie-Tooth Neuropathy; Charcot-Marie-Tooth Hereditary Neuropathy. Identifiers: Orphanet 166, MedGen C0007959, MONDO:0015626.
Inborn genetic diseases. Identifiers: MedGen C0950123, MeSH D030342.
Charcot-Marie-Tooth disease type 4. Also called: Charcot-Marie-Tooth, Type 4; Charcot-Marie-Tooth disease, type IV. Identifiers: Orphanet 64749, MedGen C4082197, MONDO:0018995.

Allele frequency attached by ClinVar (database versions not stated): gnomAD 0.00006 and 0.00009; TOPMed 0.00006; gnomAD exomes 0.00014; ExAC 0.00017; 1000 Genomes Project 30x 0.00031; 1000 Genomes Project 0.00040.
gnomAD v4.1: 131 of 1,584,422 alleles (0.0083%); highest among the groups gnomAD compares: South Asian, 0.094%; no homozygotes.

Submissions (4):

Labcorp Genetics (formerly Invitae), Labcorp
Classification: Likely benign for Charcot-Marie-Tooth disease type 4. Last evaluated: 2025-08-11. Review status: criteria provided, single submitter. Criteria: Invitae Variant Classification Sherloc (09022015). Collection method: clinical testing. Allele origin: germline.

Mayo Clinic Laboratories, Mayo Clinic
Classification: Likely benign. Last evaluated: 2025-03-06. Review status: criteria provided, single submitter. Criteria: ACMG Guidelines, 2015. Collection method: clinical testing. Allele origin: germline. Observed: 1 variant allele.
Comment: BP4, BP7

Ambry Genetics
Classification: Likely benign for Inborn genetic diseases. Last evaluated: 2019-07-11. Review status: criteria provided, single submitter. Criteria: Ambry Variant Classification Scheme 2023. Collection method: clinical testing. Allele origin: germline.

Molecular Genetics Laboratory, London Health Sciences Centre
Classification: Likely benign for Charcot-Marie-Tooth disease. Review status: criteria provided, single submitter. Criteria: ACMG Guidelines, 2015. Collection method: clinical testing. Allele origin: germline. Affected: yes.